The following is an entry in ClinVar:

ClinVar aggregate classification (germline): Uncertain significance (1 of 4 stars; one submission).

Conditions:
Inborn genetic diseases. Identifiers: MedGen C0950123, MeSH D030342.

Submission:

Ambry Genetics
Classification: Uncertain significance for Inborn genetic diseases. Last evaluated: 2024-12-22. Review status: criteria provided, single submitter. Criteria: Ambry Variant Classification Scheme 2023. Collection method: clinical testing. Allele origin: germline.
Comment: The p.S849I variant (also known as c.2546G>T), located in coding exon 22 of the ANKRD26 gene, results from a G to T substitution at nucleotide position 2546. The serine at codon 849 is replaced by isoleucine, an amino acid with dissimilar properties. This amino acid position is conserved. In addition, this alteration is predicted to be tolerated by in silico analysis. Based on the available evidence, the clinical significance of this variant remains unclear.

NM_014915.3(ANKRD26):c.2546G>T (p.Ser849Ile)

Gene: ANKRD26 (ankyrin repeat domain containing 26; minus strand). Cytogenetic location: 10p12.1.
Variant type: single nucleotide variant.
Coding change: c.2546G>T on transcript NM_014915.3 (MANE Select); coding-DNA position 2546, G replaced by T.
Protein change: p.Ser849Ile; replaces serine 849 with isoleucine.
Molecular consequence: missense variant.
Genome position (GRCh38, 1-based): chr10:27,037,884, C>A on the plus strand (G>T on the coding strand, the complement: ANKRD26 is on the minus strand). VCF-style: chr10-27037884-C-A. GRCh37 (hg19) VCF-style: chr10-27326813-C-A.
Other names: c.2543G>T, p.Ser848Ile (NM_001256053.2); short protein forms S849I, S848I.
Identifiers: ClinVar variation 3869562 (VCV003869562.1).